The following is an entry in ClinVar:

ClinVar aggregate classification (germline): Pathogenic. Review status: reviewed by expert panel (3 of 4 stars). 2 submissions from 2 submitters: Pathogenic (1). 1 of the submissions does not count toward it. Last evaluated 2016-10-18.

Conditions:
Breast-ovarian cancer, familial, susceptibility to, 1 (BROVCA1). Also called: OVARIAN CANCER, SUSCEPTIBILITY TO; BRCA1 Hereditary Breast and Ovarian Cancer. Identifiers: Orphanet 145, MedGen C2676676, MONDO:0011450, OMIM 604370. Disease mechanism: loss of function.

Submissions (2):

Evidence-based Network for the Interpretation of Germline Mutant Alleles (ENIGMA)
Classification: Pathogenic for Breast-ovarian cancer, familial, susceptibility to, 1. Last evaluated: 2016-10-18. Review status: reviewed by expert panel. Criteria: ENIGMA BRCA1/2 Classification Criteria (2015). Collection method: curation. Allele origin: germline.
Comment: Variant allele predicted to encode a truncated non-functional protein.

Consortium of Investigators of Modifiers of BRCA1/2 (CIMBA), c/o University of Cambridge
Classification: Pathogenic for Breast-ovarian cancer, familial, susceptibility to, 1. Last evaluated: 2015-10-02. Review status: criteria provided, single submitter. Criteria: CIMBA Mutation Classification guidelines May 2016. Collection method: clinical testing. Allele origin: germline. Not counted in ClinVar's aggregate classification.

NM_007294.4(BRCA1):c.1513_1514insT (p.Lys505fs)

Gene: BRCA1 (BRCA1 DNA repair associated; minus strand). Cytogenetic location: 17q21.31.
Variant type: Insertion.
Coding change: c.1513_1514insT on transcript NM_007294.4 (MANE Select); coding-DNA positions 1513 to 1514, T inserted.
Protein change: p.Lys505fs; shifts the reading frame from lysine 505.
Molecular consequence: frameshift variant. On other transcripts: intron variant (137).
Genome position: GRCh38 VCF-style: chr17-43094017-T-TA. GRCh37 (hg19) VCF-style: chr17-41246034-T-TA.
Other names: 1632insT; c.787+726_787+727insT (NM_001407974.1, NM_001407969.1, NM_001407968.1 and 19 more transcripts); c.577+726_577+727insT (NM_001408492.1, NM_001408513.1, NM_001408489.1 and 9 more transcripts); c.643+726_643+727insT (NM_001408468.1, NM_001408465.1, NM_001408463.1 and 3 more transcripts); c.523+726_523+727insT (NM_001408501.1, NM_001408500.1, NM_001408497.1 and 3 more transcripts); c.646+726_646+727insT (NM_001408455.1, NM_001408466.1, NM_001408452.1 and 11 more transcripts); c.520+726_520+727insT (NM_001408503.1, NM_001408505.1, NM_001408504.1); c.404-2986_404-2985insT (NM_001408511.1); and 41 more; short protein forms K458fs, K505fs, K434fs, K457fs, K463fs, K504fs, K209fs, K394fs.
Identifiers: ClinVar variation 54281 (VCV000054281.7), dbSNP rs397508878, ClinGen allele CA001021.